The following is an entry in ClinVar:

NM_001127222.2(CACNA1A):c.905A>G (p.Asp302Gly)

Gene: CACNA1A (calcium voltage-gated channel subunit alpha1 A; minus strand). Cytogenetic location: 19p13.13.
Variant type: single nucleotide variant.
Coding change: c.905A>G on transcript NM_001127222.2 (MANE Select); coding-DNA position 905, A replaced by G.
Protein change: p.Asp302Gly; replaces aspartic acid 302 with glycine.
Molecular consequence: missense variant.
Genome position (GRCh38, 1-based): chr19:13,359,679, T>C on the plus strand (A>G on the coding strand, the complement: CACNA1A is on the minus strand). VCF-style: chr19-13359679-T-C. GRCh37 (hg19) VCF-style: chr19-13470493-T-C.
Other names: c.905A>G (NM_001127221.1); c.905A>G, p.Asp302Gly (NM_001127221.2, NM_001174080.2, NM_023035.3 and 1 more transcripts); short protein forms D302G.
Identifiers: ClinVar variation 1019492 (VCV001019492.10), dbSNP rs2059067761, ClinGen allele CA404347135.

ClinVar aggregate classification (germline): Conflicting classifications of pathogenicity. Review status: criteria provided, conflicting classifications (1 of 4 stars). 2 submissions from 2 submitters: Likely pathogenic (1); Uncertain significance (1). Last evaluated 2023-03-10.

Conditions:
Developmental and epileptic encephalopathy, 42 (DEE42A). Also called: DEVELOPMENTAL AND EPILEPTIC ENCEPHALOPATHY 42A; EPILEPTIC ENCEPHALOPATHY, EARLY INFANTILE, 42A; Epileptic encephalopathy, early infantile, 42. Identifiers: MedGen C4310716, MONDO:0014917, OMIM 617106.
Episodic ataxia type 2 (EA2). Also called: ACETAZOLAMIDE-RESPONSIVE HEREDITARY PAROXYSMAL CEREBELLAR ATAXIA; EPISODIC ATAXIA, NYSTAGMUS-ASSOCIATED; ATAXIA, EPISODIC, WITH NYSTAGMUS; ATAXIA, FAMILIAL PAROXYSMAL; CEREBELLAR ATAXIA, PAROXYSMAL, ACETAZOLAMIDE-RESPONSIVE; CEREBELLOPATHY, HEREDITARY PAROXYSMAL. Identifiers: Orphanet 97, MedGen C1720416, MONDO:0007163, OMIM 108500.

Submissions (2):

Labcorp Genetics (formerly Invitae), Labcorp
Classification: Likely pathogenic for Developmental and epileptic encephalopathy, 42; Episodic ataxia type 2. Last evaluated: 2023-03-10. Review status: criteria provided, single submitter. Criteria: Invitae Variant Classification Sherloc (09022015). Collection method: clinical testing. Allele origin: germline.
Comment: ClinVar contains an entry for this variant (Variation ID: 1019492). This missense change has been observed in individual(s) with clinical features of CACNA1A-related conditions (Invitae). This variant is not present in population databases (gnomAD no frequency). This sequence change replaces aspartic acid, which is acidic and polar, with glycine, which is neutral and non-polar, at codon 302 of the CACNA1A protein (p.Asp302Gly). Advanced modeling of protein sequence and biophysical properties (such as structural, functional, and spatial information, amino acid conservation, physicochemical variation, residue mobility, and thermodynamic stability) performed at Invitae indicates that this missense variant is expected to disrupt CACNA1A protein function. In summary, the currently available evidence indicates that the variant is pathogenic, but additional data are needed to prove that conclusively. Therefore, this variant has been classified as Likely Pathogenic. This variant disrupts the p.Asp302 amino acid residue in CACNA1A. Other variant(s) that disrupt this residue have been determined to be pathogenic (PMID: 24486772, 25326637, 27066515, 27871455). This suggests that this residue is clinically significant, and that variants that disrupt this residue are likely to be disease-causing.

GeneDx
Classification: Uncertain significance. Last evaluated: 2023-01-30. Review status: criteria provided, single submitter. Criteria: GeneDx Variant Classification Process June 2021. Collection method: clinical testing. Allele origin: germline. Affected: yes.
Comment: Not observed at significant frequency in large population cohorts (gnomAD); In silico analysis supports that this missense variant has a deleterious effect on protein structure/function; Has not been previously published as pathogenic or benign to our knowledge

Literature cited by the submitters: PubMed 24486772 (cited by Labcorp Genetics (formerly Invitae), Labcorp); PubMed 25326637 (cited by Labcorp Genetics (formerly Invitae), Labcorp); PubMed 27066515 (cited by Labcorp Genetics (formerly Invitae), Labcorp); PubMed 27871455 (cited by Labcorp Genetics (formerly Invitae), Labcorp).